The following is an entry in ClinVar:

NM_020911.2(PLXNA4):c.249G>A (p.Thr83=)

Gene: PLXNA4 (plexin A4; minus strand). Cytogenetic location: 7q32.3.
Variant type: single nucleotide variant.
Coding change: c.249G>A on transcript NM_020911.2 (MANE Select); coding-DNA position 249, G replaced by A.
Protein change: p.Thr83=; no amino-acid change (threonine 83 retained).
Molecular consequence: synonymous variant.
Genome position (GRCh38, 1-based): chr7:132,508,445, C>T on the plus strand (G>A on the coding strand, the complement: PLXNA4 is on the minus strand). VCF-style: chr7-132508445-C-T. GRCh37 (hg19) VCF-style: chr7-132193204-C-T.
Other names: c.249G>A, p.Thr83= (NM_001105543.2, NM_001393897.1, NM_181775.4).
Identifiers: ClinVar variation 4985347 (VCV004985347.1).

ClinVar aggregate classification (germline): Likely benign (1 of 4 stars; one submission).

Conditions:
PLXNA4-related disorder. Also called: PLXNA4-related condition.

gnomAD v4.1: 12 of 1,614,194 alleles (0.00074%); highest among the groups gnomAD compares: East Asian, 0.016%; no homozygotes.

Submission:

PreventionGenetics, part of Exact Sciences
Classification: Likely benign for PLXNA4-related condition. Last evaluated: 2025-04-19. Review status: criteria provided, single submitter. Criteria: ACMG Guidelines, 2015. Collection method: clinical testing. Allele origin: germline.
Comment: This variant is classified as likely benign based on ACMG/AMP sequence variant interpretation guidelines (Richards et al. 2015 PMID: 25741868, with internal and published modifications).